The following is an entry in ClinVar:

NM_014946.4(SPAST):c.1170G>A (p.Met390Ile)

Gene: SPAST (spastin; plus strand). Cytogenetic location: 2p22.3.
Variant type: single nucleotide variant.
Coding change: c.1170G>A on transcript NM_014946.4 (MANE Select); coding-DNA position 1170, G replaced by A.
Protein change: p.Met390Ile; replaces methionine 390 with isoleucine.
Molecular consequence: missense variant.
Genome position (GRCh38, 1-based): chr2:32,127,019, G>A. VCF-style: chr2-32127019-G-A. GRCh37 (hg19) VCF-style: chr2-32352088-G-A.
Other names: c.1167G>A, p.Met389Ile (NM_001363823.2); c.1071G>A, p.Met357Ile (NM_001363875.2); c.1074G>A, p.Met358Ile (NM_001377959.1, NM_199436.2); short protein forms M390I, M357I, M389I, M358I.
Identifiers: ClinVar variation 430448 (VCV000430448.11), dbSNP rs1131691971, ClinGen allele CA346501341.
Genomic context (GRCh38, chr2:32,127,019, plus strand): 5'-GCTTAGAGCTCCTGCCAGAGGGCTGTTACTCTTTGGTCCACCTGGGAATGGGAAGACAAT[G>A]CTGGTAAGGGTTCTCTTCAAATTTGAGTTTTCTGTTGAGATATTTGGGATAATATGAAAA-3'
Protein context (NP_055761.2, residues 380-400): LFGPPGNGKT[Met390Ile]LAKAVAAESN

ClinVar aggregate classification (germline): Pathogenic/Likely pathogenic. Review status: criteria provided, multiple submitters, no conflicts (2 of 4 stars). 3 submissions from 3 submitters: Pathogenic (1); Likely pathogenic (1). 1 of the submissions does not count toward it. Last evaluated 2021-04-02.

Conditions:
SPAST-related disorder. Also called: SPAST-related condition.
Hereditary spastic paraplegia 4. Also called: Spastic Paraplegia 4; Familial spastic paraplegia autosomal dominant 2; Spastic paraplegia 4, autosomal dominant. Identifiers: Orphanet 100985, MedGen C1866855, MONDO:0008438, OMIM 182601.

Submissions (3):

Labcorp Genetics (formerly Invitae), Labcorp
Classification: Pathogenic for Hereditary spastic paraplegia 4. Last evaluated: 2021-04-02. Review status: criteria provided, single submitter. Criteria: Invitae Variant Classification Sherloc (09022015). Collection method: clinical testing. Allele origin: germline.
Comment: For these reasons, this variant has been classified as Pathogenic. This variant disrupts the p.Met390 amino acid residue in SPAST. Other variant(s) that disrupt this residue have been determined to be pathogenic (PMID: 14732620, 20932283). This suggests that this residue is clinically significant, and that variants that disrupt this residue are likely to be disease-causing. Advanced modeling of protein sequence and biophysical properties (such as structural, functional, and spatial information, amino acid conservation, physicochemical variation, residue mobility, and thermodynamic stability) performed at Invitae indicates that this missense variant is expected to disrupt SPAST protein function. This variant has been observed in individual(s) with clinical features of hereditary spastic paraplegia (PMID: Invitae). It has also been observed to segregate with disease in related individuals. ClinVar contains an entry for this variant (Variation ID: 430448). This variant is not present in population databases (ExAC no frequency). This sequence change replaces methionine with isoleucine at codon 390 of the SPAST protein (p.Met390Ile). The methionine residue is highly conserved and there is a small physicochemical difference between methionine and isoleucine.

GeneDx
Classification: Likely pathogenic. Last evaluated: 2016-08-11. Review status: criteria provided, single submitter. Criteria: GeneDx Variant Classification (06012015). Collection method: clinical testing. Allele origin: germline. Affected: yes.
Comment: The M390I variant has not been published as a pathogenic variant, nor has it been reported as a benign variant to our knowledge. It was not observed in approximately 6,500 individuals of European and African American ancestry in the NHLBI Exome Sequencing Project, indicating it is not a common benign variant in these populations. The M390I variant is a conservative amino acid substitution, which is not likely to impact secondary protein structure as these residues share similar properties. However, this substitution occurs at a conserved position in the AAA domain of the SPAST protein, which has been demonstrated to be an important functional domain for microtubule disassembly (Errico et al., 2002; Blackstone et al., 2011; Solowska et al., 2015). Additionally, a missense variant at the same residue (M390V) and many variants in nearby residues have been reported in the Human Gene Mutation Database in association with spastic paraplegia. In silico analysis is inconsistent in its predictions as to whether or not the variant is damaging to the protein structure/function. Therefore, based on the above information, this variant is likely pathogenic; however, the possibility that it is benign cannot be excluded.

PreventionGenetics, part of Exact Sciences
Classification: Likely pathogenic for SPAST-related condition. Last evaluated: 2024-06-26. Review status: no assertion criteria provided. Collection method: clinical testing. Allele origin: germline. Not counted in ClinVar's aggregate classification.
Comment: The SPAST c.1170G>A variant is predicted to result in the amino acid substitution p.Met390Ile. To our knowledge, this variant has not been reported in the literature. Several alternate substitutions of this amino acid residue (p.Met390Val, p.Met390Thr, p.Met390Arg, and p.Met390Lys) have been reported (often as de novo) in individuals with spastic paraplegia (Table S2, Dong et al. 2020. PubMed ID: 32005694; Chelban et al. 2017. PubMed ID: 28572275; Schieving et al. 2019. PubMed ID: 31157359; Table S2, Zech et al. 2020. PubMed ID: 33098801). This p.Met390Ile substitution is predicted damaging. This variant has not been reported in a large population database, indicating this variant is rare. This variant has been listed as pathogenic and likely pathogenic in ClinVar. Given the evidence, we interpret this variant as likely pathogenic.

Literature cited by the submitters: PubMed 14732620 (cited by Labcorp Genetics (formerly Invitae), Labcorp); PubMed 20932283 (cited by Labcorp Genetics (formerly Invitae), Labcorp).